The following is an entry in ClinVar:

ClinVar aggregate classification (germline): Uncertain significance (1 of 4 stars; one submission).

Conditions:
Hereditary cancer-predisposing syndrome. Also called: Neoplastic Syndromes, Hereditary; Tumor predisposition; Hereditary Cancer Syndrome; Hereditary neoplastic syndrome. Identifiers: Orphanet 140162, MedGen C0027672, MeSH D009386, MONDO:0015356.

Submission:

Ambry Genetics
Classification: Uncertain significance for Hereditary cancer-predisposing syndrome. Last evaluated: 2026-06-10. Review status: criteria provided, single submitter. Criteria: Ambry Variant Classification Scheme 2023. Collection method: clinical testing. Allele origin: germline.
Comment: The p.L120F variant (also known as c.358C>T), located in coding exon 4 of the ATM gene, results from a C to T substitution at nucleotide position 358. The leucine at codon 120 is replaced by phenylalanine, an amino acid with highly similar properties. In an assay testing ATM function, this variant showed a functionally abnormal result (Lee KS et al. Cell, 2025 Sep;188:5081-5099.e27). This amino acid position is highly conserved in available vertebrate species. In addition, the in silico prediction for this alteration is inconclusive. Based on the available evidence, the clinical significance of this variant remains unclear.

Literature cited by the submitters: PubMed 40580951.

NM_000051.4(ATM):c.358C>T (p.Leu120Phe)

Gene: ATM (ATM serine/threonine kinase; plus strand). Cytogenetic location: 11q22.3.
Variant type: single nucleotide variant.
Coding change: c.358C>T on transcript NM_000051.4 (MANE Select); coding-DNA position 358, C replaced by T.
Protein change: p.Leu120Phe; replaces leucine 120 with phenylalanine.
Molecular consequence: missense variant.
Genome position (GRCh38, 1-based): chr11:108,235,696, C>T. VCF-style: chr11-108235696-C-T. GRCh37 (hg19) VCF-style: chr11-108106423-C-T.
Other names: c.358C>T, p.Leu120Phe (NM_001351834.2); short protein forms L120F.
Identifiers: ClinVar variation 4867109 (VCV004867109.1).
Genomic context (GRCh38, chr11:108,235,696, plus strand): 5'-TTATGTTTTTCTTTATTTGTTTATTTTGAAATAGGAGCACCTAGGCTAAAATGTCAAGAA[C>T]TCTTAAATTATATCATGGATACAGTGAAAGATTCATCTAATGGTGCTATTTACGGAGCTG-3'
Protein context (NP_000042.3, residues 110-130): RRAPRLKCQE[Leu120Phe]LNYIMDTVKD